The following is an entry in ClinVar:

NM_199355.4(ADAMTS18):c.815_817del (p.Arg272_Phe273delinsIle)

Gene: ADAMTS18 (ADAM metallopeptidase with thrombospondin type 1 motif 18; minus strand). Cytogenetic location: 16q23.1.
Variant type: Deletion.
Coding change: c.815_817del on transcript NM_199355.4 (MANE Select); coding-DNA positions 815 to 817, 3 bases deleted (GGT; older notation c.815_817delGGT).
Protein change: p.Arg272_Phe273delinsIle.
Molecular consequence: inframe indel.
Genome position (GRCh38, 1-based): chr16:77,364,343-77,364,345, ACC deleted on the plus strand (GGT on the coding strand, the reverse complement: ADAMTS18 is on the minus strand). VCF-style (leftmost placement, unchanged base first): chr16-77364342-AACC-A. GRCh37 (hg19) VCF-style: chr16-77398239-AACC-A.
Other names: c.299_301del, p.Arg100_Phe101delinsIle (NM_001326358.2).
Identifiers: ClinVar variation 1422591 (VCV001422591.8), dbSNP rs2144737161, ClinGen allele CA645584662.

ClinVar aggregate classification (germline): Uncertain significance (1 of 4 stars; one submission).

Allele frequency attached by ClinVar (database versions not stated): gnomAD exomes below 0.00001.

Submission:

Labcorp Genetics (formerly Invitae), Labcorp
Classification: Uncertain significance. Last evaluated: 2022-09-01. Review status: criteria provided, single submitter. Criteria: Invitae Variant Classification Sherloc (09022015). Collection method: clinical testing. Allele origin: germline.
Comment: In summary, the available evidence is currently insufficient to determine the role of this variant in disease. Therefore, it has been classified as a Variant of Uncertain Significance. Experimental studies and prediction algorithms are not available or were not evaluated, and the functional significance of this variant is currently unknown. ClinVar contains an entry for this variant (Variation ID: 1422591). This variant has not been reported in the literature in individuals affected with ADAMTS18-related conditions. This variant is not present in population databases (gnomAD no frequency). This variant, c.815_817del, is a complex sequence change that results in the deletion of 2 and insertion of 1 amino acid(s) in the ADAMTS18 protein (p.Arg272_Phe273delinsIle).